The following is an entry in ClinVar:

ClinVar aggregate classification (germline): Benign (1 of 4 stars; one submission).

Conditions:
Familial cancer of breast. Also called: hereditary breast carcinoma; BREAST CANCER, FAMILIAL; Hereditary breast cancer. Identifiers: Orphanet 227535, MedGen C0346153, MONDO:0016419, OMIM 114480. Disease mechanism: loss of function.

Submission:

Myriad Genetics, Inc.
Classification: Benign for Familial cancer of breast. Last evaluated: 2024-06-13. Review status: criteria provided, single submitter. Criteria: Myriad Autosomal Dominant, Autosomal Recessive and X-Linked Classification Criteria (2023). Collection method: clinical testing. Allele origin: unknown.
Comment: This variant is considered benign. This variant is a silent/synonymous amino acid change and it is not expected to impact splicing.

NM_000051.4(ATM):c.7380A>G (p.Lys2460=)

Genes: ATM (ATM serine/threonine kinase; plus strand), C11orf65 (chromosome 11 open reading frame 65; minus strand). Cytogenetic location: 11q22.3.
Variant type: single nucleotide variant.
Coding change: c.7380A>G on transcript NM_000051.4 (MANE Select); coding-DNA position 7380, A replaced by G.
Protein change: p.Lys2460=; no amino-acid change (lysine 2460 retained).
Molecular consequence: synonymous variant. On other transcripts: intron variant (2).
Genome position (GRCh38, 1-based): chr11:108,330,286, A>G. VCF-style: chr11-108330286-A-G. GRCh37 (hg19) VCF-style: chr11-108201013-A-G.
Other names: c.7380A>G, p.Lys2460= (NM_001351834.2); c.641-21215T>C (NM_001330368.2); c.*38+4934T>C (NM_001351110.2).
Identifiers: ClinVar variation 3254450 (VCV003254450.1), dbSNP rs2136456513.